The following is an entry in ClinVar:

NM_015001.3(SPEN):c.5556C>A (p.Leu1852=)

Gene: SPEN (spen family transcriptional repressor; plus strand). Cytogenetic location: 1p36.13.
Variant type: single nucleotide variant.
Coding change: c.5556C>A on transcript NM_015001.3 (MANE Select); coding-DNA position 5556, C replaced by A.
Protein change: p.Leu1852=; no amino-acid change (leucine 1852 retained).
Molecular consequence: synonymous variant.
Genome position (GRCh38, 1-based): chr1:15,931,796, C>A. VCF-style: chr1-15931796-C-A. GRCh37 (hg19) VCF-style: chr1-16258291-C-A.
Identifiers: ClinVar variation 4084378 (VCV004084378.8).

ClinVar aggregate classification (germline): Likely benign (1 of 4 stars; one submission).

gnomAD v4.1: 29 of 1,614,200 alleles (0.0018%); highest among the groups gnomAD compares: Non-Finnish European, 0.0024%; no homozygotes.

Submission:

CeGaT Center for Human Genetics Tuebingen
Classification: Likely benign. Last evaluated: 2025-06-01. Review status: criteria provided, single submitter. Criteria: CeGaT Center For Human Genetics Tuebingen Variant Classification Criteria Version 2. Collection method: clinical testing. Allele origin: germline. Affected: yes. Observed: 1 variant allele.
Comment: SPEN: BP4, BP7